The following is an entry in ClinVar:

NM_001042646.3(TRAK1):c.2371A>G (p.Thr791Ala)

Gene: TRAK1 (trafficking kinesin protein 1; plus strand). Cytogenetic location: 3p22.1.
Variant type: single nucleotide variant.
Coding change: c.2371A>G on transcript NM_001042646.3 (MANE Select); coding-DNA position 2371, A replaced by G.
Protein change: p.Thr791Ala; replaces threonine 791 with alanine.
Molecular consequence: missense variant. On other transcripts: 3 prime UTR variant (1), non-coding transcript variant (1).
Genome position (GRCh38, 1-based): chr3:42,223,246, A>G. VCF-style: chr3-42223246-A-G. GRCh37 (hg19) VCF-style: chr3-42264738-A-G.
Other names: c.1996A>G, p.Thr666Ala (NM_001349245.1); c.2308A>G, p.Thr770Ala (NM_001349246.2); c.*325A>G (NM_001349247.2); c.2086A>G, p.Thr696Ala (NM_001349248.1); c.2149A>G, p.Thr717Ala (NM_001349249.1); c.2197A>G, p.Thr733Ala (NM_001410741.1); short protein forms T770A, T717A, T733A, T666A, T791A, T696A.
Identifiers: ClinVar variation 2060893 (VCV002060893.7), dbSNP rs370449306, ClinGen allele CA2333846.

ClinVar aggregate classification (germline): Conflicting classifications of pathogenicity. Review status: criteria provided, conflicting classifications (1 of 4 stars). 4 submissions from 4 submitters: Uncertain significance (3); Likely benign (1). Last evaluated 2024-03-05.

Conditions:
Inborn genetic diseases. Identifiers: MedGen C0950123, MeSH D030342.

Allele frequency attached by ClinVar (database versions not stated): ESP Exome Variant Server 0.00016; TOPMed 0.00018; gnomAD 0.00023; 1000 Genomes Project 30x 0.00031; 1000 Genomes Project 0.00040.
gnomAD v4.1: 79 of 1,614,074 alleles (0.0049%); highest among the groups gnomAD compares: African/African-American, 0.053%; no homozygotes.

Submissions (4):

Blueprint Genetics
Classification: Likely benign. Last evaluated: 2024-03-05. Review status: criteria provided, single submitter. Criteria: ACMG Guidelines, 2015. Collection method: clinical testing. Allele origin: germline.

Ambry Genetics
Classification: Uncertain significance for Inborn genetic diseases. Last evaluated: 2024-02-27. Review status: criteria provided, single submitter. Criteria: Ambry Variant Classification Scheme 2023. Collection method: clinical testing. Allele origin: germline.

GeneDx
Classification: Uncertain significance. Last evaluated: 2023-12-02. Review status: criteria provided, single submitter. Criteria: GeneDx Variant Classification Process June 2021. Collection method: clinical testing. Allele origin: germline. Affected: yes.
Comment: In silico analysis supports that this missense variant does not alter protein structure/function; Has not been previously published as pathogenic or benign to our knowledge

Labcorp Genetics (formerly Invitae), Labcorp
Classification: Uncertain significance. Last evaluated: 2023-08-24. Review status: criteria provided, single submitter. Criteria: Invitae Variant Classification Sherloc (09022015). Collection method: clinical testing. Allele origin: germline.
Comment: In summary, the available evidence is currently insufficient to determine the role of this variant in disease. Therefore, it has been classified as a Variant of Uncertain Significance. Algorithms developed to predict the effect of missense changes on protein structure and function output the following: SIFT: "Not Available"; PolyPhen-2: "Benign"; Align-GVGD: "Not Available". The alanine amino acid residue is found in multiple mammalian species, which suggests that this missense change does not adversely affect protein function. ClinVar contains an entry for this variant (Variation ID: 2060893). This variant has not been reported in the literature in individuals affected with TRAK1-related conditions. This variant is present in population databases (rs370449306, gnomAD 0.06%). This sequence change replaces threonine, which is neutral and polar, with alanine, which is neutral and non-polar, at codon 791 of the TRAK1 protein (p.Thr791Ala).